The following is an entry in ClinVar:

NM_002386.4(MC1R):c.551A>C (p.Asp184Ala)

Gene: MC1R (melanocortin 1 receptor; plus strand). Cytogenetic location: 16q24.3.
Variant type: single nucleotide variant.
Coding change: c.551A>C on transcript NM_002386.4 (MANE Select); coding-DNA position 551, A replaced by C.
Protein change: p.Asp184Ala; replaces aspartic acid 184 with alanine.
Molecular consequence: missense variant.
Genome position (GRCh38, 1-based): chr16:89,919,809, A>C. VCF-style: chr16-89919809-A-C. GRCh37 (hg19) VCF-style: chr16-89986217-A-C.
Other names: short protein forms D184A.
Identifiers: ClinVar variation 1362272 (VCV001362272.8), dbSNP rs748173401, ClinGen allele CA397461840.
Genomic context (GRCh38, chr16:89,919,809, plus strand): 5'-CCGTTGCGGCCATCTGGGTGGCCAGTGTCGTCTTCAGCACGCTCTTCATCGCCTACTACG[A>C]CCACGTGGCCGTCCTGCTGTGCCTCGTGGTCTTCTTCCTGGCTATGCTGGTGCTCATGGC-3'
Protein context (NP_002377.4, residues 174-194): VFSTLFIAYY[Asp184Ala]HVAVLLCLVV

ClinVar aggregate classification (germline): Uncertain significance (1 of 4 stars; one submission).

Conditions:
Melanoma, cutaneous malignant, susceptibility to, 5. Also called: Cutaneous malignant melanoma 5. Identifiers: Orphanet 618, MedGen C2751295, MONDO:0013133, OMIM 613099.

Submission:

Labcorp Genetics (formerly Invitae), Labcorp
Classification: Uncertain significance for Melanoma, cutaneous malignant, susceptibility to, 5. Last evaluated: 2025-07-30. Review status: criteria provided, single submitter. Criteria: Invitae Variant Classification Sherloc (09022015). Collection method: clinical testing. Allele origin: germline.
Comment: This sequence change replaces aspartic acid, which is acidic and polar, with alanine, which is neutral and non-polar, at codon 184 of the MC1R protein (p.Asp184Ala). This variant is present in population databases (no rsID available, gnomAD 0.0009%). This variant has not been reported in the literature in individuals affected with MC1R-related conditions. ClinVar contains an entry for this variant (Variation ID: 1362272). Invitae Evidence Modeling of protein sequence and biophysical properties (such as structural, functional, and spatial information, amino acid conservation, physicochemical variation, residue mobility, and thermodynamic stability) indicates that this missense variant is not expected to disrupt MC1R protein function with a negative predictive value of 80%. Experimental studies have shown that this missense change affects MC1R function (PMID: 8605020). In summary, the available evidence is currently insufficient to determine the role of this variant in disease. Therefore, it has been classified as a Variant of Uncertain Significance.

Literature cited by the submitters: PubMed 8605020.